The following is an entry in ClinVar:

NM_002361.4(MAG):c.1117A>C (p.Ser373Arg)

Gene: MAG (myelin associated glycoprotein; plus strand). Cytogenetic location: 19q13.12.
Variant type: single nucleotide variant.
Coding change: c.1117A>C on transcript NM_002361.4 (MANE Select); coding-DNA position 1117, A replaced by C.
Protein change: p.Ser373Arg; replaces serine 373 with arginine.
Molecular consequence: missense variant.
Genome position (GRCh38, 1-based): chr19:35,302,594, A>C. VCF-style: chr19-35302594-A-C. GRCh37 (hg19) VCF-style: chr19-35793497-A-C.
Other names: c.1042A>C, p.Ser348Arg (NM_001199216.2); c.1117A>C, p.Ser373Arg (NM_080600.3); short protein forms S373R, S348R.
Identifiers: ClinVar variation 424677 (VCV000424677.9), dbSNP rs142375870, ClinGen allele CA9376176.

ClinVar aggregate classification (germline): Uncertain significance. Review status: criteria provided, multiple submitters, no conflicts (2 of 4 stars). 3 submissions from 3 submitters: Uncertain significance (3). Last evaluated 2024-12-02.

Conditions:
Hereditary spastic paraplegia 75. Also called: Spastic paraplegia 75, autosomal recessive. Identifiers: Orphanet 459056, MedGen C4225250, MONDO:0014729, OMIM 616680.
Hereditary spastic paraplegia. Also called: Familial spastic paraparesis. Identifiers: Orphanet 685, MedGen C0037773, MONDO:0019064. Disease mechanism: loss of function.

Allele frequency attached by ClinVar (database versions not stated): ESP Exome Variant Server 0.00008; gnomAD exomes 0.00013 and 0.00023; gnomAD 0.00020 and 0.00022; ExAC 0.00026; TOPMed 0.00039; 1000 Genomes Project 0.00040; 1000 Genomes Project 30x 0.00047.
gnomAD v4.1: 237 of 1,614,180 alleles (0.015%); highest among the groups gnomAD compares: Middle Eastern, 0.15%; no homozygotes.

Submissions (3):

Labcorp Genetics (formerly Invitae), Labcorp
Classification: Uncertain significance for Hereditary spastic paraplegia 75. Last evaluated: 2024-12-02. Review status: criteria provided, single submitter. Criteria: Invitae Variant Classification Sherloc (09022015). Collection method: clinical testing. Allele origin: germline.
Comment: This sequence change replaces serine, which is neutral and polar, with arginine, which is basic and polar, at codon 373 of the MAG protein (p.Ser373Arg). This variant is present in population databases (rs142375870, gnomAD 0.06%). This missense change has been observed in individual(s) with hereditary spastic paraplegia (PMID: 28832565, 31402626). ClinVar contains an entry for this variant (Variation ID: 424677). Invitae Evidence Modeling of protein sequence and biophysical properties (such as structural, functional, and spatial information, amino acid conservation, physicochemical variation, residue mobility, and thermodynamic stability) indicates that this missense variant is not expected to disrupt MAG protein function with a negative predictive value of 80%. In summary, the available evidence is currently insufficient to determine the role of this variant in disease. Therefore, it has been classified as a Variant of Uncertain Significance.

Department of Pathology and Laboratory Medicine, Sinai Health System
Classification: Uncertain significance for Hereditary spastic paraplegia 75. Last evaluated: 2022-12-13. Review status: criteria provided, single submitter. Criteria: ACMG Guidelines, 2015. Collection method: research. Allele origin: germline.

Unit for Genetic & Epidemiological Research on Neurological Disorders, Instituto de Investigação e Inovação em Saúde
Classification: Uncertain significance for Hereditary spastic paraplegia. Last evaluated: 2017-03-07. Review status: criteria provided, single submitter. Criteria: Morais et al. (Eur J Hum Genet. 2017). Collection method: research. Allele origin: unknown. Affected: yes.

Literature cited by the submitters: PubMed 28832565 (cited by Labcorp Genetics (formerly Invitae), Labcorp); PubMed 31402626 (cited by Labcorp Genetics (formerly Invitae), Labcorp).